The following is an entry in ClinVar:

ClinVar aggregate classification (germline): Pathogenic (1 of 4 stars; one submission).

Submission:

GeneDx
Classification: Pathogenic. Last evaluated: 2015-08-12. Review status: criteria provided, single submitter. Criteria: GeneDx Variant Classification (06012015). Collection method: clinical testing. Allele origin: germline. Affected: yes.
Comment: The c.1768+2delT splice site variant in the PHEX gene destroys the canonical splice donor site in intron17. It is predicted to cause abnormal gene splicing, either leading to an abnormal message that is subject tononsense-mediated mRNA decay, or to an abnormal protein product if the message is used for proteintranslation. It was not observed in approximately 6,500 individuals of European and African Americanancestry in the NHLBI Exome Sequencing Project, indicating it is not a common benign variant in thesepopulations. In addition, other splice site variants at the same position (1768+2 T>G) and nearby positions(1768+1 G>C, 1768+1 G>A, and 1768+5 G>A) have been reported in the Human Gene MutationDatabase in association with hypohosphatemic rickets (Stenson et al., 2014). Although this variant hasnot been previously reported to our knowledge, we consider it to be pathogenic.

NM_000444.6(PHEX):c.1768+2del

Genes: PHEX (phosphate regulating endopeptidase X-linked; plus strand), PTCHD1-AS (PTCHD1 antisense RNA (head to head); minus strand). Cytogenetic location: Xp22.11.
Variant type: Deletion.
Coding change: c.1768+2del on transcript NM_000444.6 (MANE Select); the canonical splice donor site of the intron after coding-DNA position 1768, one base deleted (T; older notation c.1768+2delT).
Molecular consequence: splice donor variant.
Genome position (GRCh38, 1-based): chrX:22,219,105, T deleted. VCF-style (leftmost placement, unchanged base first): chrX-22219104-GT-G. GRCh37 (hg19) VCF-style: chrX-22237221-GT-G.
Other names: c.1768+2del (NM_001282754.2).
Identifiers: ClinVar variation 419504 (VCV000419504.2), dbSNP rs1064793918, ClinGen allele CA16621334.